The following is an entry in ClinVar:

ClinVar aggregate classification (germline): Uncertain significance (1 of 4 stars; one submission).

Conditions:
MEGF10-related myopathy (CMYO10A). Also called: Congenital myopathy 10A, severe variant. Identifiers: Orphanet 439212, MedGen C3280679, MONDO:0013731, OMIM 614399.

Allele frequency attached by ClinVar (database versions not stated): gnomAD exomes below 0.00001.
gnomAD v4.1: 1 of 1,614,098 alleles (0.000062%); highest among the groups gnomAD compares: South Asian, 0.0011%; no homozygotes.

Submission:

Labcorp Genetics (formerly Invitae), Labcorp
Classification: Uncertain significance for MEGF10-related myopathy. Last evaluated: 2022-11-22. Review status: criteria provided, single submitter. Criteria: Invitae Variant Classification Sherloc (09022015). Collection method: clinical testing. Allele origin: germline.
Comment: In summary, the available evidence is currently insufficient to determine the role of this variant in disease. Therefore, it has been classified as a Variant of Uncertain Significance. Algorithms developed to predict the effect of missense changes on protein structure and function are either unavailable or do not agree on the potential impact of this missense change (SIFT: "Deleterious"; PolyPhen-2: "Benign"; Align-GVGD: "Class C0"). This variant has not been reported in the literature in individuals affected with MEGF10-related conditions. This variant is present in population databases (no rsID available, gnomAD 0.003%). This sequence change replaces valine, which is neutral and non-polar, with methionine, which is neutral and non-polar, at codon 960 of the MEGF10 protein (p.Val960Met).

NM_001256545.2(MEGF10):c.2878G>A (p.Val960Met)

Gene: MEGF10 (multiple EGF like domains 10; plus strand). Cytogenetic location: 5q23.2.
Variant type: single nucleotide variant.
Coding change: c.2878G>A on transcript NM_001256545.2 (MANE Select); coding-DNA position 2878, G replaced by A.
Protein change: p.Val960Met; replaces valine 960 with methionine.
Molecular consequence: missense variant.
Genome position (GRCh38, 1-based): chr5:127,449,120, G>A. VCF-style: chr5-127449120-G-A. GRCh37 (hg19) VCF-style: chr5-126784812-G-A.
Other names: c.2878G>A, p.Val960Met (NM_032446.3); short protein forms V960M.
Identifiers: ClinVar variation 2092975 (VCV002092975.4), dbSNP rs1280192213, ClinGen allele CA360735379.